The following is an entry in ClinVar:

ClinVar aggregate classification (germline): Uncertain significance (1 of 4 stars; one submission).

Conditions:
Methylcobalamin deficiency type cblG (HMAG). Also called: HOMOCYSTINURIA-MEGALOBLASTIC ANEMIA, cblG TYPE; HOMOCYSTINURIA-MEGALOBLASTIC ANEMIA, cblG COMPLEMENTATION TYPE; Functional methionine synthase deficiency type cblG; HOMOCYSTINURIA-MEGALOBLASTIC ANEMIA DUE TO DEFECT IN COBALAMIN METABOLISM, cblG COMPLEMENTATION TYPE. Identifiers: Orphanet 2170, Orphanet 622, MedGen C1855128, MONDO:0009609, OMIM 250940.

Submission:

Labcorp Genetics (formerly Invitae), Labcorp
Classification: Uncertain significance for Methylcobalamin deficiency type cblG. Last evaluated: 2021-02-28. Review status: criteria provided, single submitter. Criteria: Invitae Variant Classification Sherloc (09022015). Collection method: clinical testing. Allele origin: germline.
Comment: In summary, the available evidence is currently insufficient to determine the role of this variant in disease. Therefore, it has been classified as a Variant of Uncertain Significance. Algorithms developed to predict the effect of missense changes on protein structure and function are either unavailable or do not agree on the potential impact of this missense change (SIFT: "Deleterious"; PolyPhen-2: "Benign"; Align-GVGD: "Class C0"). This variant has not been reported in the literature in individuals with MTR-related conditions. This variant is not present in population databases (ExAC no frequency). This sequence change replaces glutamic acid with lysine at codon 1108 of the MTR protein (p.Glu1108Lys). The glutamic acid residue is moderately conserved and there is a small physicochemical difference between glutamic acid and lysine.

NM_000254.3(MTR):c.3322G>A (p.Glu1108Lys)

Gene: MTR (5-methyltetrahydrofolate-homocysteine methyltransferase; plus strand). Cytogenetic location: 1q43.
Variant type: single nucleotide variant.
Coding change: c.3322G>A on transcript NM_000254.3 (MANE Select); coding-DNA position 3322, G replaced by A.
Protein change: p.Glu1108Lys; replaces glutamic acid 1108 with lysine.
Molecular consequence: missense variant.
Genome position (GRCh38, 1-based): chr1:236,894,474, G>A. VCF-style: chr1-236894474-G-A. GRCh37 (hg19) VCF-style: chr1-237057774-G-A.
Other names: c.3169G>A, p.Glu1057Lys (NM_001291939.1); c.2101G>A, p.Glu701Lys (NM_001291940.2); short protein forms E701K, E1057K, E1108K.
Identifiers: ClinVar variation 1484613 (VCV001484613.8), dbSNP rs1666509852, ClinGen allele CA345388827.